The following continues an entry in ClinVar:

NM_138694.4(PKHD1):c.9530T>C (p.Ile3177Thr)

Gene: PKHD1. ClinVar aggregate classification (germline): Conflicting classifications of pathogenicity. Pathogenic (2); Likely pathogenic (7); Uncertain significance (5).

Submissions 9 to 16 of 16:

Johns Hopkins Genomics, Johns Hopkins University
Classification: Likely pathogenic for Polycystic kidney disease 4. Last evaluated: 2021-03-10. Review status: criteria provided, single submitter. Criteria: ACMG Guidelines, 2015. Collection method: clinical testing. Allele origin: germline.
Comment: This PKHD1 variant (rs200511261) is rare (<0.1%) in a large population dataset (gnomAD: 13/250878 total alleles; 0.005%; no homozygotes) and has an entry in ClinVar. It has been observed on the opposite chromosome from other pathogenic variants in individuals affected with PKD4. Two bioinformatics tools queried predict that p.Ile3177Thr would be tolerated, while another predicts it would be damaging. The isoleucine residue at this position is partially conserved across the vertebrate species assessed; some species have a valine substitution at this position. This variant is not predicted to affect normal exon 58 splicing, although this has not been confirmed experimentally to our knowledge. We consider c.9530T>C to be likely pathogenic.

Cambridge Genomics Laboratory, East Genomic Laboratory Hub, NHS Genomic Medicine Service
Classification: Uncertain significance for Biliary tract abnormality. Last evaluated: 2020-04-28. Review status: criteria provided, single submitter. Criteria: ACGS Best Practice Guidelines for Variant Classification in Rare Disease 2020. Collection method: clinical testing. Allele origin: germline. Affected: yes. Observed: 1 variant allele.

Mayo Clinic Laboratories, Mayo Clinic
Classification: Likely pathogenic. Last evaluated: 2019-11-25. Review status: criteria provided, single submitter. Criteria: ACMG Guidelines, 2015. Collection method: clinical testing. Allele origin: germline. Observed: 1 variant allele.
Comment: PM2, PM3, PP1, PP4, PP5

Fulgent Genetics
Classification: Likely pathogenic for Polycystic kidney disease 4. Last evaluated: 2018-10-31. Review status: criteria provided, single submitter. Criteria: ACMG Guidelines, 2015. Collection method: clinical testing. Allele origin: unknown.

Center for Pediatric Genomic Medicine, Children's Mercy Hospital and Clinics
Classification: Pathogenic. Last evaluated: 2017-01-06. Review status: criteria provided, single submitter. Criteria: ACMG Guidelines, 2015. Collection method: clinical testing. Allele origin: germline.

Baylor Genetics
Classification: Pathogenic for Polycystic kidney disease 4. Review status: criteria provided, single submitter. Criteria: ACMG Guidelines, 2015. Collection method: clinical testing. Allele origin: germline.

Gharavi Laboratory, Columbia University
Classification: Uncertain significance. Last evaluated: 2018-09-16. Review status: no assertion criteria provided. Criteria: ACMG Guidelines, 2015. Collection method: research. Allele origin: germline. Affected: no. Not counted in ClinVar's aggregate classification.

Department of Pathology and Laboratory Medicine, Sinai Health System
Classification: Pathogenic. Review status: no assertion criteria provided. Collection method: clinical testing. Allele origin: unknown. Affected: yes. Study: The Canadian Open Genetics Repository (COGR). Not counted in ClinVar's aggregate classification.
Comment: The PKHD1 p.Ile3177Thr variant was identified in 10 of 974 proband chromosomes (frequency: 0.01) from individuals or families with ARPKD (Bergmann 2005, Denamur 2010, Furu 2004, Gunay-Aygun 2010, Losekoot 2005, Rosetti 2003).The variant was also identified in dbSNP (ID: rs200511261), Clinvitae database (as pathogenic by Emory genetics) RWTH AAachen University ARPKD database (as pathogenic) and PKHD1-LOVD. This variant was identified in the NHLBI GO Exome Sequencing Project in 1 of 8600 European American alleles (freq. 0.0001) and Exome Aggregation Consortium database (March 14, 2016) in 5 of 66720 chromosomes (freq. 7.49E-05) in the European population, this low number of observations and low frequency is not substantive enough to determine the prevalence of the variant in the general population and its relationship to disease. The p.Ile3177 residue is not conserved in mammals and computational analyses (PolyPhen-2, SIFT, AlignGVGD, BLOSUM, MutationTaster) provide inconsistent predictions regarding the impact to the protein; this information is not very predictive of pathogenicity. The variant occurs outside of the splicing consensus sequence and 1 of 5 in silico or computational prediction software programs (SpliceSiteFinder, MaxEntScan, NNSPLICE, GeneSplicer, HumanSpliceFinder) predict a greater than 10% difference in splicing; this is not very predictive of pathogenicity. The case studies by Arbeiter (2008) and Denamur (2010) identify this mutation along with evolutionarily highly conserved missense change c.2414CT (p.Pro805Leu) in patients who died perinatally from ARPKD. In addition, several studies found the variant in patients with severe perinatally-fatal phenotype of ARPKD (Bergmann 2005, Furu 2004, Gunay-Aygun 2010, Rosetti 2003, Losekoot 2005). In summary, based on the above information, this variant meets our laboratoryâ€šÃ„Ã´s criteria to be classified as pathogenic.

Literature cited by the submitters: PubMed 15698423 (cited by 4 submitters); PubMed 16133180 (cited by 4 submitters); PubMed 18503009 (cited by 3 submitters); PubMed 19940839 (cited by 4 submitters); PubMed 20301501 (cited by Victorian Clinical Genetics Services, Murdoch Childrens Research Institute); PubMed 15108281 (cited by 4 submitters); PubMed 36691356 (cited by Victorian Clinical Genetics Services, Murdoch Childrens Research Institute); PubMed 30650191 (cited by Victorian Clinical Genetics Services, Murdoch Childrens Research Institute); PubMed 21945273 (cited by Victorian Clinical Genetics Services, Murdoch Childrens Research Institute); PubMed 12846734 (cited by 4 submitters); PubMed 33940108 (cited by Natera, Inc.); PubMed 12874454 (cited by Mayo Clinic Laboratories, Mayo Clinic).